The following is an entry in ClinVar:

NM_172240.3(POC1B):c.847G>A (p.Glu283Lys)

Genes: POC1B (POC1 centriolar protein B; minus strand), POC1B-DUSP6 (POC1B-DUSP6 readthrough; minus strand). Cytogenetic location: 12q21.33.
Variant type: single nucleotide variant.
Coding change: c.847G>A on transcript NM_172240.3 (MANE Select); coding-DNA position 847, G replaced by A.
Protein change: p.Glu283Lys; replaces glutamic acid 283 with lysine.
Molecular consequence: missense variant. On other transcripts: non-coding transcript variant (2).
Genome position (GRCh38, 1-based): chr12:89,467,649, C>T on the plus strand (G>A on the coding strand, the complement: POC1B is on the minus strand). VCF-style: chr12-89467649-C-T. GRCh37 (hg19) VCF-style: chr12-89861426-C-T.
Other names: c.847G>A (NM_172240.2); c.721G>A, p.Glu241Lys (NM_001199777.2); short protein forms E241K, E283K.
Identifiers: ClinVar variation 1010247 (VCV001010247.7), dbSNP rs138333122, ClinGen allele CA6714372.

ClinVar aggregate classification (germline): Uncertain significance. Review status: criteria provided, multiple submitters, no conflicts (2 of 4 stars). 3 submissions from 3 submitters: Uncertain significance (3). Last evaluated 2024-06-10.

Conditions:
Inborn genetic diseases. Identifiers: MedGen C0950123, MeSH D030342.

Allele frequency attached by ClinVar (database versions not stated): gnomAD exomes 0.00002; TOPMed 0.00002; gnomAD 0.00003; ExAC 0.00004; ESP Exome Variant Server 0.00015.
gnomAD v4.1: 28 of 1,612,208 alleles (0.0017%); highest among the groups gnomAD compares: Non-Finnish European, 0.0022%; no homozygotes.

Submissions (3):

Ambry Genetics
Classification: Uncertain significance for Inborn genetic diseases. Last evaluated: 2024-06-10. Review status: criteria provided, single submitter. Criteria: Ambry Variant Classification Scheme 2023. Collection method: clinical testing. Allele origin: germline.

Blueprint Genetics
Classification: Uncertain significance. Last evaluated: 2024-02-12. Review status: criteria provided, single submitter. Criteria: ACMG Guidelines, 2015. Collection method: clinical testing. Allele origin: germline.

Labcorp Genetics (formerly Invitae), Labcorp
Classification: Uncertain significance. Last evaluated: 2022-06-27. Review status: criteria provided, single submitter. Criteria: Invitae Variant Classification Sherloc (09022015). Collection method: clinical testing. Allele origin: germline.
Comment: This sequence change replaces glutamic acid, which is acidic and polar, with lysine, which is basic and polar, at codon 283 of the POC1B protein (p.Glu283Lys). This variant is present in population databases (rs138333122, gnomAD 0.01%). This variant has not been reported in the literature in individuals affected with POC1B-related conditions. ClinVar contains an entry for this variant (Variation ID: 1010247). Algorithms developed to predict the effect of missense changes on protein structure and function (SIFT, PolyPhen-2, Align-GVGD) all suggest that this variant is likely to be tolerated. In summary, the available evidence is currently insufficient to determine the role of this variant in disease. Therefore, it has been classified as a Variant of Uncertain Significance.